The following is an entry in ClinVar:

ClinVar aggregate classification (germline): Uncertain significance (1 of 4 stars; one submission).

Conditions:
Combined immunodeficiency due to STK4 deficiency (IMD110). Also called: STK4 DEFICIENCY; MST1 DEFICIENCY; T-cell immunodeficiency, recurrent infections, and autoimmunity with or without cardiac malformations. Identifiers: Orphanet 314689, MedGen C3553943, MONDO:0013934, OMIM 614868.

Submission:

Labcorp Genetics (formerly Invitae), Labcorp
Classification: Uncertain significance for Combined immunodeficiency due to STK4 deficiency. Last evaluated: 2021-07-28. Review status: criteria provided, single submitter. Criteria: Invitae Variant Classification Sherloc (09022015). Collection method: clinical testing. Allele origin: germline.
Comment: In summary, the available evidence is currently insufficient to determine the role of this variant in disease. Therefore, it has been classified as a Variant of Uncertain Significance. This sequence change replaces lysine with arginine at codon 221 of the STK4 protein (p.Lys221Arg). The lysine residue is highly conserved and there is a small physicochemical difference between lysine and arginine. This variant is not present in population databases (ExAC no frequency). This variant has not been reported in the literature in individuals affected with STK4-related conditions. Advanced modeling of protein sequence and biophysical properties (such as structural, functional, and spatial information, amino acid conservation, physicochemical variation, residue mobility, and thermodynamic stability) performed at Invitae indicates that this missense variant is not expected to disrupt STK4 protein function.

NM_006282.5(STK4):c.662A>G (p.Lys221Arg)

Gene: STK4 (serine/threonine kinase 4; plus strand). Cytogenetic location: 20q13.12.
Variant type: single nucleotide variant.
Coding change: c.662A>G on transcript NM_006282.5 (MANE Select); coding-DNA position 662, A replaced by G.
Protein change: p.Lys221Arg; replaces lysine 221 with arginine.
Molecular consequence: missense variant.
Genome position (GRCh38, 1-based): chr20:44,995,226, A>G. VCF-style: chr20-44995226-A-G. GRCh37 (hg19) VCF-style: chr20-43623867-A-G.
Other names: c.662A>G, p.Lys221Arg (NM_001352385.2); short protein forms K221R.
Identifiers: ClinVar variation 1508476 (VCV001508476.6), dbSNP rs2145683700, ClinGen allele CA409124814.